The following is an entry in ClinVar:

NM_014915.3(ANKRD26):c.575A>C (p.Gln192Pro)

Gene: ANKRD26 (ankyrin repeat domain containing 26; minus strand). Cytogenetic location: 10p12.1.
Variant type: single nucleotide variant.
Coding change: c.575A>C on transcript NM_014915.3 (MANE Select); coding-DNA position 575, A replaced by C.
Protein change: p.Gln192Pro; replaces glutamine 192 with proline.
Molecular consequence: missense variant.
Genome position (GRCh38, 1-based): chr10:27,092,469, T>G on the plus strand (A>C on the coding strand, the complement: ANKRD26 is on the minus strand). VCF-style: chr10-27092469-T-G. GRCh37 (hg19) VCF-style: chr10-27381398-T-G.
Other names: c.575A>C, p.Gln192Pro (NM_001256053.2); short protein forms Q192P.
Identifiers: ClinVar variation 3872088 (VCV003872088.1).

ClinVar aggregate classification (germline): Uncertain significance (1 of 4 stars; one submission).

Conditions:
Inborn genetic diseases. Identifiers: MedGen C0950123, MeSH D030342.

gnomAD v4.1: 1 of 1,613,714 alleles (0.000062%); highest among the groups gnomAD compares: African/African-American, 0.0013%; no homozygotes.

Submission:

Ambry Genetics
Classification: Uncertain significance for Inborn genetic diseases. Last evaluated: 2025-03-06. Review status: criteria provided, single submitter. Criteria: Ambry Variant Classification Scheme 2023. Collection method: clinical testing. Allele origin: germline.
Comment: The p.Q192P variant (also known as c.575A>C), located in coding exon 4 of the ANKRD26 gene, results from an A to C substitution at nucleotide position 575. The glutamine at codon 192 is replaced by proline, an amino acid with similar properties. This amino acid position is conserved. In addition, this alteration is predicted to be tolerated by in silico analysis. Based on the available evidence, the clinical significance of this variant remains unclear.